The following is an entry in ClinVar:

NM_018723.4(RBFOX1):c.584T>C (p.Val195Ala)

Gene: RBFOX1 (RNA binding fox-1 homolog 1; plus strand). Cytogenetic location: 16p13.3.
Variant type: single nucleotide variant.
Coding change: c.584T>C on transcript NM_018723.4 (MANE Select); coding-DNA position 584, T replaced by C.
Protein change: p.Val195Ala; replaces valine 195 with alanine.
Molecular consequence: missense variant.
Genome position (GRCh38, 1-based): chr16:7,597,393, T>C. VCF-style: chr16-7597393-T-C. GRCh37 (hg19) VCF-style: chr16-7647395-T-C.
Other names: c.584T>C, p.Val195Ala (NM_001142333.2, NM_001142334.2, NM_001364800.2); c.713T>C, p.Val238Ala (NM_001308117.1); c.644T>C, p.Val215Ala (NM_145891.3, NM_145892.3, NM_145893.3); short protein forms V215A, V238A, V195A.
Identifiers: ClinVar variation 1365886 (VCV001365886.6), dbSNP rs2152958287, ClinGen allele CA394683056.

ClinVar aggregate classification (germline): Uncertain significance (1 of 4 stars; one submission).

Conditions:
Idiopathic generalized epilepsy. Also called: Generalised epilepsy; EIG. Identifiers: MedGen C0270850, MONDO:0005579, OMIM 600669.

gnomAD v4.1: 3 of 1,611,478 alleles (0.00019%); highest among the groups gnomAD compares: Non-Finnish European, 0.00025%; no homozygotes.

Submission:

Labcorp Genetics (formerly Invitae), Labcorp
Classification: Uncertain significance for Idiopathic generalized epilepsy. Last evaluated: 2022-04-08. Review status: criteria provided, single submitter. Criteria: Invitae Variant Classification Sherloc (09022015). Collection method: clinical testing. Allele origin: germline.
Comment: Algorithms developed to predict the effect of missense changes on protein structure and function are either unavailable or do not agree on the potential impact of this missense change (SIFT: "Deleterious"; PolyPhen-2: "Benign"; Align-GVGD: "Class C0"). In summary, the available evidence is currently insufficient to determine the role of this variant in disease. Therefore, it has been classified as a Variant of Uncertain Significance. This variant has not been reported in the literature in individuals affected with RBFOX1-related conditions. This variant is not present in population databases (gnomAD no frequency). This sequence change replaces valine, which is neutral and non-polar, with alanine, which is neutral and non-polar, at codon 215 of the RBFOX1 protein (p.Val215Ala).